The following is an entry in ClinVar:

ClinVar aggregate classification (germline): Uncertain significance (1 of 4 stars; one submission).

Allele frequency attached by ClinVar (database versions not stated): gnomAD exomes below 0.00001; ExAC 0.00001; TOPMed 0.00001.
gnomAD v4.1: 3 of 1,603,048 alleles (0.00019%); highest among the groups gnomAD compares: Non-Finnish European, 0.00026%; no homozygotes.

Submission:

Labcorp Genetics (formerly Invitae), Labcorp
Classification: Uncertain significance. Last evaluated: 2022-10-13. Review status: criteria provided, single submitter. Criteria: Invitae Variant Classification Sherloc (09022015). Collection method: clinical testing. Allele origin: germline.
Comment: This sequence change replaces isoleucine, which is neutral and non-polar, with threonine, which is neutral and polar, at codon 378 of the POC5 protein (p.Ile378Thr). This variant is present in population databases (rs775658173, gnomAD 0.0009%). This variant has not been reported in the literature in individuals affected with POC5-related conditions. Algorithms developed to predict the effect of missense changes on protein structure and function output the following: SIFT: "Not Available"; PolyPhen-2: "Benign"; Align-GVGD: "Not Available". The threonine amino acid residue is found in multiple mammalian species, which suggests that this missense change does not adversely affect protein function. Algorithms developed to predict the effect of sequence changes on RNA splicing suggest that this variant may disrupt the consensus splice site. In summary, the available evidence is currently insufficient to determine the role of this variant in disease. Therefore, it has been classified as a Variant of Uncertain Significance.

NM_001099271.2(POC5):c.1133T>C (p.Ile378Thr)

Gene: POC5 (POC5 centriolar protein; minus strand). Cytogenetic location: 5q13.3.
Variant type: single nucleotide variant.
Coding change: c.1133T>C on transcript NM_001099271.2 (MANE Select); coding-DNA position 1133, T replaced by C.
Protein change: p.Ile378Thr; replaces isoleucine 378 with threonine.
Molecular consequence: missense variant.
Genome position (GRCh38, 1-based): chr5:75,685,481, A>G on the plus strand (T>C on the coding strand, the complement: POC5 is on the minus strand). VCF-style: chr5-75685481-A-G. GRCh37 (hg19) VCF-style: chr5-74981306-A-G.
Other names: c.1058T>C, p.Ile353Thr (NM_152408.3); short protein forms I353T, I378T.
Identifiers: ClinVar variation 1953540 (VCV001953540.5), dbSNP rs775658173, ClinGen allele CA3310386.
Genomic context (GRCh38, chr5:75,685,481, plus strand): 5'-GAATGTTCTTTTCCTTGAACACCAGGACCATACTCTTCCTTTTTATTATTTGTGGAGTCT[A>G]TCCCTATAAATCACAAATTAATTCCATTCAAATTCTTCCAGGTTAGGACTACTATTATCT-3'
Protein context (NP_001092741.1, residues 368-388): TIFQNRNDAG[Ile378Thr]DSTNNKKEEY